The following is an entry in ClinVar:

ClinVar aggregate classification (germline): Pathogenic (1 of 4 stars; one submission).

Conditions:
Multiple acyl-CoA dehydrogenase deficiency (MADD). Also called: Glutaric aciduria, type 2; Glutaric acidemia type II; GA 2; ETHYLMALONIC-ADIPICACIDURIA; GA II; Glutaric Acidemia type 2. Identifiers: Orphanet 26791, MedGen C0268596, MONDO:0009282, OMIM 231680.

Submission:

Labcorp Genetics (formerly Invitae), Labcorp
Classification: Pathogenic for Multiple acyl-CoA dehydrogenase deficiency. Last evaluated: 2024-07-16. Review status: criteria provided, single submitter. Criteria: Invitae Variant Classification Sherloc (09022015). Collection method: clinical testing. Allele origin: germline.
Comment: This sequence change inserts a large fragment of DNA, likely a transposable element, in exon 3 of the ETFDH gene (c.372_373ins?), causing a frameshift at codon 124 (p.Phe124fs). The exact size and sequence of the insertion cannot be determined by the current assay. However, the insertion is expected to result in an absent or disrupted protein product. This variant is not present in population databases (gnomAD no frequency). This variant has not been reported in the literature in individuals affected with ETFDH-related conditions. Retrotransposon insertions including LINE1 (L1), Alu, and SVA (SINE-VNTR-Alu) have been reported to be disease-causing through disruption of either a coding region or splice site (PMID: 19763152, 20307669, 22406018) and loss-of-function variants in ETFDH are known to be pathogenic (PMID: 16510302, 23785301). For these reasons, this variant has been classified as Pathogenic.

Literature cited by the submitters: PubMed 19763152; PubMed 20307669; PubMed 22406018; PubMed 16510302; PubMed 23785301.

NM_004453.4(ETFDH):c.372_373insTTTTTTTTTTTTTTTTTTTTNNNNNNNNNNTCGGCCTCCCAAAGTGCTGGGATTACAGGCGTGAGCCACCGCGCCCGGCCGATCCAGGTGCTTTT (p.Lys125fs)

Gene: ETFDH (electron transfer flavoprotein dehydrogenase; plus strand). Cytogenetic location: 4q32.1.
Variant type: Insertion.
Coding change: c.372_373insTTTTTTTTTTTTTTTTTTTTNNNNNNNNNNTCGGCCTCCCAAAGTGCTGGGATTACAGGCGTGAGCCACCGCGCCCGGCCGATCCAGGTGCTTTT on transcript NM_004453.4 (MANE Select); coding-DNA positions 372 to 373, TTTTTTTTTTTTTTTTTTTTNNNNNNNNNNTCGGCCTCCCAAAGTGCTGGGATTACAGGCGTGAGCCACCGCGCCCGGCCGATCCAGGTGCTTTT inserted.
Protein change: p.Lys125fs; shifts the reading frame from lysine 125.
Molecular consequence: frameshift variant.
Genome position: GRCh38: chr4:158,682,391-158,682,392. GRCh37 (hg19): chr4:159,603,543-159,603,544.
Other names: c.231_232insTTTTTTTTTTTTTTTTTTTTNNNNNNNNNNTCGGCCTCCCAAAGTGCTGGGATTACAGGCGTGAGCCACCGCGCCCGGCCGATCCAGGTGCTTTT, p.Lys78fs (NM_001281737.2); c.189_190insTTTTTTTTTTTTTTTTTTTTNNNNNNNNNNTCGGCCTCCCAAAGTGCTGGGATTACAGGCGTGAGCCACCGCGCCCGGCCGATCCAGGTGCTTTT, p.Lys64fs (NM_001281738.1); short protein forms K125fs, K78fs, K64fs.
Identifiers: ClinVar variation 3659610 (VCV003659610.2).